The following is an entry in ClinVar:

NM_001204.7(BMPR2):c.1698T>A (p.Ile566=)

Gene: BMPR2 (bone morphogenetic protein receptor type 2; plus strand). Cytogenetic location: 2q33.2.
Variant type: single nucleotide variant.
Coding change: c.1698T>A on transcript NM_001204.7 (MANE Select); coding-DNA position 1698, T replaced by A.
Protein change: p.Ile566=; no amino-acid change (isoleucine 566 retained).
Molecular consequence: synonymous variant.
Genome position (GRCh38, 1-based): chr2:202,555,363, T>A. VCF-style: chr2-202555363-T-A. GRCh37 (hg19) VCF-style: chr2-203420086-T-A.
Other names: NM_001204.7(BMPR2):c.1698T>A; p.Ile566=.
Identifiers: ClinVar variation 898486 (VCV000898486.14), dbSNP rs948158717, ClinGen allele CA64042886.

ClinVar aggregate classification (germline): Uncertain significance. Review status: reviewed by expert panel (3 of 4 stars). 4 submissions from 4 submitters: Uncertain significance (1). 3 of the submissions do not count toward it. Last evaluated 2024-05-03.

Conditions:
Primary pulmonary hypertension. Also called: Idiopathic pulmonary hypertension. Identifiers: MedGen C0152171.
Pulmonary arterial hypertension. Identifiers: Orphanet 182090, MedGen C2973725, MeSH D000081029, MONDO:0015924, HP:0002092.
Pulmonary hypertension, primary, 1 (PPH1). Also called: Pulmonary hypertension, familial primary, 1, with or without HHT. Identifiers: Orphanet 422, MedGen C4552070, MONDO:0024533, OMIM 178600.
Inborn genetic diseases. Identifiers: MedGen C0950123, MeSH D030342.

Allele frequency attached by ClinVar (database versions not stated): TOPMed 0.00002; gnomAD 0.00004; gnomAD exomes 0.00006.
gnomAD v4.1: 84 of 1,614,034 alleles (0.0052%); highest among the groups gnomAD compares: Non-Finnish European, 0.0069%; no homozygotes.

Submissions (4):

Clingen Pulmonary Hypertension Variant Curation Expert Panel, ClinGen
Classification: Uncertain significance for Pulmonary arterial hypertension. Last evaluated: 2024-05-03. Review status: reviewed by expert panel. Criteria: ClinGen PH ACMG Specifications BMPR2 V1.1.0. Collection method: curation. Allele origin: germline. Inheritance: Autosomal dominant inheritance.
Comment: The NM_001204.7(BMPR2) c.1698T>A variant is a synonymous (silent) variant (p.Ile566=) that is not predicted by SpliceAI to impact splicing (BP4, BP7). This variant is absent from gnomAD v2.1.1 controls (PM2_supporting). Due to conflicting evidence, this variant is classified as a variant of uncertain significance for pulmonary arterial hypertension based on the ACMG/AMP criteria applied, as specified by the ClinGen Pulmonary Hypertension VCEP: BP4, BP7, PM2_supporting. (VCEP specifications version 1.1, 1/18/2024)

Labcorp Genetics (formerly Invitae), Labcorp
Classification: Likely benign for Primary pulmonary hypertension. Last evaluated: 2025-07-19. Review status: criteria provided, single submitter. Criteria: Invitae Variant Classification Sherloc (09022015). Collection method: clinical testing. Allele origin: germline. Not counted in ClinVar's aggregate classification.

Ambry Genetics
Classification: Likely benign for Inborn genetic diseases. Last evaluated: 2024-11-26. Review status: criteria provided, single submitter. Criteria: Ambry Variant Classification Scheme 2023. Collection method: clinical testing. Allele origin: germline. Not counted in ClinVar's aggregate classification.

Illumina Laboratory Services, Illumina
Classification: Uncertain significance for Pulmonary hypertension, primary, 1. Last evaluated: 2018-01-13. Review status: criteria provided, single submitter. Criteria: ICSL Variant Classification Criteria 13 December 2019. Collection method: clinical testing. Allele origin: germline. Not counted in ClinVar's aggregate classification.